The following is an entry in ClinVar:

NM_017617.5(NOTCH1):c.2588-9G>T

Gene: NOTCH1 (notch receptor 1; minus strand). Cytogenetic location: 9q34.3.
Variant type: single nucleotide variant.
Coding change: c.2588-9G>T on transcript NM_017617.5 (MANE Select); 9 bases into the intron before coding-DNA position 2588, G replaced by T.
Molecular consequence: intron variant.
Genome position (GRCh38, 1-based): chr9:136,510,814, C>A on the plus strand (G>T on the coding strand, the complement: NOTCH1 is on the minus strand). VCF-style: chr9-136510814-C-A. GRCh37 (hg19) VCF-style: chr9-139405266-C-A.
Other names: c.2588-9G>T (LRG_1122t1, NM_017617.4).
Identifiers: ClinVar variation 415387 (VCV000415387.13), dbSNP rs757973986, ClinGen allele CA5341236.
Genomic context (GRCh38, chr9:136,510,814, plus strand): 5'-TGCCGGCACGGGCTCAGAACGCACTCGTTGATGTCGACCTCACAGGTCTGCCCTGCGGGG[C>A]AGGAGGAGGCCGGTTGGTCACCAGCGGCCCCTGGCCCTCCAGGCCCTTCCCAGGCTGGCC-3'

ClinVar aggregate classification (germline): Likely benign. Review status: criteria provided, multiple submitters, no conflicts (2 of 4 stars). 3 submissions from 3 submitters: Likely benign (2). 1 of the submissions does not count toward it. Last evaluated 2026-01-29.

Conditions:
Adams-Oliver syndrome 5 (AOS5). Identifiers: Orphanet 974, MedGen C4014970, MONDO:0014459, OMIM 616028.
NOTCH1-related disorder. Also called: NOTCH1-related condition; NOTCH1-related disorders.

Allele frequency attached by ClinVar (database versions not stated): gnomAD 0.00002; gnomAD exomes 0.00002 and 0.00003; ExAC 0.00003; TOPMed 0.00003.
gnomAD v4.1: 35 of 1,607,268 alleles (0.0022%); highest among the groups gnomAD compares: Non-Finnish European, 0.0029%; no homozygotes.

Submissions (3):

Labcorp Genetics (formerly Invitae), Labcorp
Classification: Likely benign for Adams-Oliver syndrome 5. Last evaluated: 2026-01-29. Review status: criteria provided, single submitter. Criteria: Invitae Variant Classification Sherloc (09022015). Collection method: clinical testing. Allele origin: germline.

Blueprint Genetics
Classification: Likely benign. Last evaluated: 2024-11-08. Review status: criteria provided, single submitter. Criteria: ACMG Guidelines, 2015. Collection method: clinical testing. Allele origin: germline.

PreventionGenetics, part of Exact Sciences
Classification: Likely benign for NOTCH1-related condition. Last evaluated: 2023-08-14. Review status: no assertion criteria provided. Collection method: clinical testing. Allele origin: germline. Not counted in ClinVar's aggregate classification.
Comment: This variant is classified as likely benign based on ACMG/AMP sequence variant interpretation guidelines (Richards et al. 2015 PMID: 25741868, with internal and published modifications).